The following is an entry in ClinVar:

NM_005045.4(RELN):c.2167T>C (p.Tyr723His)

Gene: RELN (reelin; minus strand). Cytogenetic location: 7q22.1.
Variant type: single nucleotide variant.
Coding change: c.2167T>C on transcript NM_005045.4 (MANE Select); coding-DNA position 2167, T replaced by C.
Protein change: p.Tyr723His; replaces tyrosine 723 with histidine.
Molecular consequence: missense variant.
Genome position (GRCh38, 1-based): chr7:103,636,371, A>G on the plus strand (T>C on the coding strand, the complement: RELN is on the minus strand). VCF-style: chr7-103636371-A-G. GRCh37 (hg19) VCF-style: chr7-103276818-A-G.
Other names: c.2167T>C, p.Tyr723His (NM_173054.3); short protein forms Y723H.
Identifiers: ClinVar variation 2630278 (VCV002630278.1), dbSNP rs2484802826, ClinGen allele CA368762055.

ClinVar aggregate classification (germline): Uncertain significance (1 of 4 stars; one submission).

Conditions:
RELN-related disorder. Also called: RELN-related condition.

Submission:

PreventionGenetics, part of Exact Sciences
Classification: Uncertain significance for RELN-related condition. Last evaluated: 2023-02-27. Review status: criteria provided, single submitter. Criteria: ACMG Guidelines, 2015. Collection method: clinical testing. Allele origin: germline.
Comment: The RELN c.2167T>C variant is predicted to result in the amino acid substitution p.Tyr723His. To our knowledge, this variant has not been reported in the literature or in a large population database, indicating this variant is rare. At this time, the clinical significance of this variant is uncertain due to the absence of conclusive functional and genetic evidence.